The following is an entry in ClinVar:

NM_000535.7(PMS2):c.1093A>G (p.Ser365Gly)

Gene: PMS2 (PMS1 homolog 2, mismatch repair system component; minus strand). Cytogenetic location: 7p22.1.
Variant type: single nucleotide variant.
Coding change: c.1093A>G on transcript NM_000535.7 (MANE Select); coding-DNA position 1093, A replaced by G.
Protein change: p.Ser365Gly; replaces serine 365 with glycine.
Molecular consequence: missense variant. On other transcripts: intron variant (10), non-coding transcript variant (1).
Genome position (GRCh38, 1-based): chr7:5,989,851, T>C on the plus strand (A>G on the coding strand, the complement: PMS2 is on the minus strand). VCF-style: chr7-5989851-T-C. GRCh37 (hg19) VCF-style: chr7-6029482-T-C.
Other names: c.688A>G, p.Ser230Gly (NM_001406896.1, NM_001406897.1, NM_001406898.1 and 16 more transcripts); c.775A>G, p.Ser259Gly (NM_001406903.1, NM_001406883.1, NM_001322007.2 and 2 more transcripts); c.670+2122A>G (NM_001406901.1, NM_001406902.1); c.679+2122A>G (NM_001406900.1); c.583+2122A>G (NM_001406907.1, NM_001322010.2, NM_001406906.1); c.820+2122A>G (NM_001406884.1); c.804-6860A>G (NM_001406912.1); c.988+2122A>G (NM_001322006.2, NM_001406870.1); and 13 more; short protein forms S174G, S309G, S427G, S329G, S365G, S108G, S230G, S259G.
Identifiers: ClinVar variation 4826896 (VCV004826896.1).

ClinVar aggregate classification (germline): Uncertain significance (1 of 4 stars; one submission).

Conditions:
Hereditary cancer-predisposing syndrome. Also called: Neoplastic Syndromes, Hereditary; Tumor predisposition; Hereditary Cancer Syndrome; Hereditary neoplastic syndrome. Identifiers: Orphanet 140162, MedGen C0027672, MeSH D009386, MONDO:0015356.

Submission:

Ambry Genetics
Classification: Uncertain significance for Hereditary cancer-predisposing syndrome. Last evaluated: 2026-03-09. Review status: criteria provided, single submitter. Criteria: Ambry Variant Classification Scheme 2023. Collection method: clinical testing. Allele origin: germline.
Comment: The p.S365G variant (also known as c.1093A>G), located in coding exon 10 of the PMS2 gene, results from an A to G substitution at nucleotide position 1093. The serine at codon 365 is replaced by glycine, an amino acid with similar properties. This amino acid position is not well conserved in available vertebrate species. In addition, this alteration is predicted to be tolerated by in silico analysis. Based on the available evidence, the clinical significance of this variant remains unclear.